The following is an entry in ClinVar:

ClinVar aggregate classification (germline): Pathogenic (1 of 4 stars; one submission).

Conditions:
Neurofibromatosis, type 1 (NF1). Also called: NEUROFIBROMATOSIS, TYPE I, SOMATIC; Peripheral type neurofibromatosis; VON RECKLINGHAUSEN DISEASE; Neurofibromatosis, type I. Identifiers: Orphanet 636, MedGen C0027831, MONDO:0018975, OMIM 162200. Disease mechanism: loss of function.

Submission:

Labcorp Genetics (formerly Invitae), Labcorp
Classification: Pathogenic for Neurofibromatosis, type 1. Last evaluated: 2022-11-14. Review status: criteria provided, single submitter. Criteria: Invitae Variant Classification Sherloc (09022015). Collection method: clinical testing. Allele origin: germline.
Comment: For these reasons, this variant has been classified as Pathogenic. This sequence change creates a premature translational stop signal (p.Glu2624Aspfs*15) in the NF1 gene. It is expected to result in an absent or disrupted protein product. Loss-of-function variants in NF1 are known to be pathogenic (PMID: 10712197, 23913538). This variant is not present in population databases (gnomAD no frequency). This variant has not been reported in the literature in individuals affected with NF1-related conditions.

Literature cited by the submitters: PubMed 10712197; PubMed 23913538.

NM_001042492.3(NF1):c.7934_7935insC (p.Glu2645fs)

Gene: NF1 (neurofibromin 1; plus strand). Cytogenetic location: 17q11.2.
Variant type: Insertion.
Coding change: c.7934_7935insC on transcript NM_001042492.3 (MANE Select); coding-DNA positions 7934 to 7935, C inserted.
Protein change: p.Glu2645fs; shifts the reading frame from glutamic acid 2645.
Molecular consequence: frameshift variant.
Genome position: GRCh38 VCF-style: chr17-31357333-A-AC. GRCh37 (hg19) VCF-style: chr17-29684351-A-AC.
Other names: c.7871_7872insC, p.Glu2624Aspfs (NM_000267.4); short protein forms E2624fs, E2645fs.
Identifiers: ClinVar variation 2814147 (VCV002814147.3), dbSNP rs2508830189, ClinGen allele CA2739267296.